The following is an entry in ClinVar:

ClinVar aggregate classification (germline): Uncertain significance (1 of 4 stars; one submission).

Conditions:
Kabuki syndrome. Also called: Kabuki make-up syndrome; NIIKAWA-KUROKI SYNDROME. Identifiers: Orphanet 2322, MedGen C0796004, MONDO:0016512.

Submission:

Labcorp Genetics (formerly Invitae), Labcorp
Classification: Uncertain significance for Kabuki syndrome. Last evaluated: 2024-10-24. Review status: criteria provided, single submitter. Criteria: Invitae Variant Classification Sherloc (09022015). Collection method: clinical testing. Allele origin: germline.
Comment: This sequence change replaces serine, which is neutral and polar, with glycine, which is neutral and non-polar, at codon 2719 of the KMT2D protein (p.Ser2719Gly). This variant is not present in population databases (gnomAD no frequency). This variant has not been reported in the literature in individuals affected with KMT2D-related conditions. Invitae Evidence Modeling of protein sequence and biophysical properties (such as structural, functional, and spatial information, amino acid conservation, physicochemical variation, residue mobility, and thermodynamic stability) indicates that this missense variant is not expected to disrupt KMT2D protein function with a negative predictive value of 95%. In summary, the available evidence is currently insufficient to determine the role of this variant in disease. Therefore, it has been classified as a Variant of Uncertain Significance.

NM_003482.4(KMT2D):c.8155A>G (p.Ser2719Gly)

Gene: KMT2D (lysine methyltransferase 2D; minus strand). Cytogenetic location: 12q13.12.
Variant type: single nucleotide variant.
Coding change: c.8155A>G on transcript NM_003482.4 (MANE Select); coding-DNA position 8155, A replaced by G.
Protein change: p.Ser2719Gly; replaces serine 2719 with glycine.
Molecular consequence: missense variant.
Genome position (GRCh38, 1-based): chr12:49,039,509, T>C on the plus strand (A>G on the coding strand, the complement: KMT2D is on the minus strand). VCF-style: chr12-49039509-T-C. GRCh37 (hg19) VCF-style: chr12-49433292-T-C.
Other names: short protein forms S2719G.
Identifiers: ClinVar variation 2845016 (VCV002845016.3), dbSNP rs2120512184, ClinGen allele CA384743748.